The following is an entry in ClinVar:

ClinVar aggregate classification (germline): Uncertain significance (1 of 4 stars; one submission).

Conditions:
Hereditary cancer-predisposing syndrome. Also called: Tumor predisposition; Neoplastic Syndromes, Hereditary; Hereditary Cancer Syndrome; Hereditary neoplastic syndrome. Identifiers: Orphanet 140162, MedGen C0027672, MeSH D009386, MONDO:0015356.

gnomAD v4.1: 1 of 1,614,182 alleles (0.000062%); highest among the groups gnomAD compares: Non-Finnish European, 0.000085%; no homozygotes.

Submission:

Ambry Genetics
Classification: Uncertain significance for Hereditary cancer-predisposing syndrome. Last evaluated: 2024-12-29. Review status: criteria provided, single submitter. Criteria: Ambry Variant Classification Scheme 2023. Collection method: clinical testing. Allele origin: germline.
Comment: The p.A1316G variant (also known as c.3947C>G), located in coding exon 15 of the APC gene, results from a C to G substitution at nucleotide position 3947. The alanine at codon 1316 is replaced by glycine, an amino acid with similar properties. This amino acid position is conserved. In addition, in silico predictors for this gene do not accurately predict pathogenicity. Based on the available evidence, the clinical significance of this variant remains unclear.

NM_000038.6(APC):c.3947C>G (p.Ala1316Gly)

Gene: APC (APC regulator of Wnt signaling pathway; plus strand). Cytogenetic location: 5q22.2.
Variant type: single nucleotide variant.
Coding change: c.3947C>G on transcript NM_000038.6 (MANE Select); coding-DNA position 3947, C replaced by G.
Protein change: p.Ala1316Gly; replaces alanine 1316 with glycine.
Molecular consequence: missense variant. On other transcripts: non-coding transcript variant (2).
Genome position (GRCh38, 1-based): chr5:112,839,541, C>G. VCF-style: chr5-112839541-C-G. GRCh37 (hg19) VCF-style: chr5-112175238-C-G.
Other names: c.3947C>G, p.Ala1316Gly (NM_001127510.3, NM_001354895.2, NM_001407450.1); c.3893C>G, p.Ala1298Gly (NM_001127511.3); c.4001C>G, p.Ala1334Gly (NM_001354896.2, NM_001407447.1, NM_001407448.1 and 1 more transcripts); c.3977C>G, p.Ala1326Gly (NM_001354897.2); c.3872C>G, p.Ala1291Gly (NM_001354898.2); c.3863C>G, p.Ala1288Gly (NM_001354899.2); c.3824C>G, p.Ala1275Gly (NM_001354900.2); c.3770C>G, p.Ala1257Gly (NM_001354901.2, NM_001407453.1); and 11 more; short protein forms A1156G, A1257G, A1275G, A1225G, A1298G, A1309G, A1215G, A1291G.
Identifiers: ClinVar variation 3881403 (VCV003881403.1).
Genomic context (GRCh38, chr5:112,839,541, plus strand): 5'-CAGATTCTGCTAATACCCTGCAAATAGCAGAAATAAAAGAAAAGATTGGAACTAGGTCAG[C>G]TGAAGATCCTGTGAGCGAAGTTCCAGCAGTGTCACAGCACCCTAGAACCAAATCCAGCAG-3'
Protein context (NP_000029.2, residues 1306-1326): EIKEKIGTRS[Ala1316Gly]EDPVSEVPAV